The following is an entry in ClinVar:

ClinVar aggregate classification (germline): Uncertain significance (0 of 4 stars; one submission).

Submission:

Richard Lifton Laboratory, Yale University School of Medicine
Classification: Uncertain significance. Review status: no assertion criteria provided. Collection method: not provided. Allele origin: somatic.
Comment: NAT10
ClinVar note: Converted during submission from unknown to Uncertain significance.

NM_024662.3(NAT10):c.2424G>C (p.Leu808=)

Gene: NAT10 (N-acetyltransferase 10; plus strand). Cytogenetic location: 11p13.
Variant type: single nucleotide variant.
Coding change: c.2424G>C on transcript NM_024662.3 (MANE Select); coding-DNA position 2424, G replaced by C.
Protein change: p.Leu808=; no amino-acid change (leucine 808 retained).
Molecular consequence: synonymous variant.
Genome position (GRCh38, 1-based): chr11:34,140,404, G>C. VCF-style: chr11-34140404-G-C. GRCh37 (hg19) VCF-style: chr11-34161951-G-C.
Other names: c.2208G>C, p.Leu736= (NM_001144030.2).
Identifiers: ClinVar variation 92013 (VCV000092013.2), dbSNP rs386352337, ClinGen allele CA232351.